The following is an entry in ClinVar:

ClinVar aggregate classification (germline): Uncertain significance (1 of 4 stars; one submission).

Submission:

Mayo Clinic Laboratories, Mayo Clinic
Classification: Uncertain significance. Last evaluated: 2025-04-09. Review status: criteria provided, single submitter. Criteria: ACMG Guidelines, 2015. Collection method: clinical testing. Allele origin: germline. Observed: 1 variant allele.
Comment: PM2_supporting

NR_001566.3(TERC):n.429C>G

Gene: TERC (telomerase RNA component; minus strand). Cytogenetic location: 3q26.2.
Variant type: single nucleotide variant.
Molecular consequence: non-coding transcript variant (on NR_001566.3).
Genome position: GRCh38 VCF-style: chr3-169764632-G-C. GRCh37 (hg19) VCF-style: chr3-169482420-G-C.
Identifiers: ClinVar variation 4540948 (VCV004540948.1).
Genomic context (GRCh38, chr3:169,764,632, plus strand): 5'-CACGATCGGCGTTCCCCCCACCAACAGGAAAGCGAACTGCATGTGTGAGCCGAGTCCTGG[G>C]TGCACGTCCCACAGCTCAGGGAATCGCGCCGCGCGCGGGGACTCGCTCCGTTCCTCTTCC-3'